The following is an entry in ClinVar:

NM_153448.4(ESX1):c.55G>T (p.Val19Phe)

Gene: ESX1 (ESX homeobox 1; minus strand). Cytogenetic location: Xq22.2.
Variant type: single nucleotide variant.
Coding change: c.55G>T on transcript NM_153448.4 (MANE Select); coding-DNA position 55, G replaced by T.
Protein change: p.Val19Phe; replaces valine 19 with phenylalanine.
Molecular consequence: missense variant.
Genome position (GRCh38, 1-based): chrX:104,254,795, C>A on the plus strand (G>T on the coding strand, the complement: ESX1 is on the minus strand). VCF-style: chrX-104254795-C-A. GRCh37 (hg19) VCF-style: chrX-103499476-C-A.
Other names: short protein forms V19F.
Identifiers: ClinVar variation 2466841 (VCV002466841.26), dbSNP rs202022977, ClinGen allele CA10480198.

ClinVar aggregate classification (germline): Conflicting classifications of pathogenicity. Review status: criteria provided, conflicting classifications (1 of 4 stars). 2 submissions from 2 submitters: Uncertain significance (1); Likely benign (1). Last evaluated 2025-04-03.

Allele frequency attached by ClinVar (database versions not stated): TOPMed 0.00005; gnomAD 0.00006; gnomAD exomes 0.00011; ExAC 0.00013; 1000 Genomes Project 0.00026; 1000 Genomes Project 30x 0.00042.
gnomAD v4.1: 124 of 1,209,509 alleles (0.01%); highest among the groups gnomAD compares: Non-Finnish European, 0.013%; no homozygotes.

Submissions (2):

Ambry Genetics
Classification: Uncertain significance. Last evaluated: 2025-04-03. Review status: criteria provided, single submitter. Criteria: Ambry Variant Classification Scheme 2023. Collection method: clinical testing. Allele origin: germline.

CeGaT Center for Human Genetics Tuebingen
Classification: Likely benign. Last evaluated: 2022-09-01. Review status: criteria provided, single submitter. Criteria: CeGaT Center For Human Genetics Tuebingen Variant Classification Criteria Version 2. Collection method: clinical testing. Allele origin: germline. Affected: yes. Observed: 1 variant allele.
Comment: ESX1: BS2